The following is an entry in ClinVar:

ClinVar aggregate classification (germline): Uncertain significance (1 of 4 stars; one submission).

Conditions:
Immunodeficiency 28 (IMD28). Also called: IFNGR2 DEFICIENCY. Identifiers: Orphanet 319547, Orphanet 319574, MedGen C4013947, MONDO:0013953, OMIM 614889.

Allele frequency attached by ClinVar (database versions not stated): gnomAD exomes 0.00001 and 0.00002; ExAC 0.00005; TOPMed 0.00006; ESP Exome Variant Server 0.00008; gnomAD 0.00008 and 0.00009; 1000 Genomes Project 0.00040; 1000 Genomes Project 30x 0.00047.
gnomAD v4.1: 21 of 1,613,044 alleles (0.0013%); highest among the groups gnomAD compares: African/African-American, 0.024%; no homozygotes.

Submission:

Labcorp Genetics (formerly Invitae), Labcorp
Classification: Uncertain significance for Immunodeficiency 28. Last evaluated: 2021-09-01. Review status: criteria provided, single submitter. Criteria: Invitae Variant Classification Sherloc (09022015). Collection method: clinical testing. Allele origin: germline.
Comment: This sequence change replaces tyrosine with cysteine at codon 175 of the IFNGR2 protein (p.Tyr175Cys). The tyrosine residue is highly conserved and there is a large physicochemical difference between tyrosine and cysteine. This variant is present in population databases (rs368333636, ExAC 0.05%). This variant has not been reported in the literature in individuals affected with IFNGR2-related conditions. Algorithms developed to predict the effect of missense changes on protein structure and function (SIFT, PolyPhen-2, Align-GVGD) all suggest that this variant is likely to be disruptive. In summary, the available evidence is currently insufficient to determine the role of this variant in disease. Therefore, it has been classified as a Variant of Uncertain Significance.

NM_005534.4(IFNGR2):c.524A>G (p.Tyr175Cys)

Gene: IFNGR2 (interferon gamma receptor 2; plus strand). Cytogenetic location: 21q22.11.
Variant type: single nucleotide variant.
Coding change: c.524A>G on transcript NM_005534.4 (MANE Select); coding-DNA position 524, A replaced by G.
Protein change: p.Tyr175Cys; replaces tyrosine 175 with cysteine.
Molecular consequence: missense variant.
Genome position (GRCh38, 1-based): chr21:33,426,995, A>G. VCF-style: chr21-33426995-A-G. GRCh37 (hg19) VCF-style: chr21-34799302-A-G.
Other names: c.581A>G, p.Tyr194Cys (NM_001329128.2); short protein forms Y194C, Y175C.
Identifiers: ClinVar variation 1499762 (VCV001499762.5), dbSNP rs368333636, ClinGen allele CA10006955.